The following is an entry in ClinVar:

NM_007272.3(CTRC):c.251T>C (p.Val84Ala)

Gene: CTRC (chymotrypsin C; plus strand). Cytogenetic location: 1p36.21.
Variant type: single nucleotide variant.
Coding change: c.251T>C on transcript NM_007272.3 (MANE Select); coding-DNA position 251, T replaced by C.
Protein change: p.Val84Ala; replaces valine 84 with alanine.
Molecular consequence: missense variant.
Genome position (GRCh38, 1-based): chr1:15,442,467, T>C. VCF-style: chr1-15442467-T-C. GRCh37 (hg19) VCF-style: chr1-15768963-T-C.
Other names: p.Val84Ala; short protein forms V84A.
Identifiers: ClinVar variation 641331 (VCV000641331.18), dbSNP rs200369419, ClinGen allele CA613295.

ClinVar aggregate classification (germline): Uncertain significance. Review status: criteria provided, multiple submitters, no conflicts (2 of 4 stars). 4 submissions from 4 submitters: Uncertain significance (4). Last evaluated 2026-03-26.

Conditions:
Hereditary pancreatitis (PCTT). Also called: PRSS1-Related Hereditary Pancreatitis; Hereditary chronic pancreatitis. Identifiers: Orphanet 676, MedGen C0238339, MONDO:0008185, OMIM 167800.

Allele frequency attached by ClinVar (database versions not stated): gnomAD 0.00025 and 0.00028; gnomAD exomes 0.00002; 1000 Genomes Project 30x 0.00031; 1000 Genomes Project 0.00020; TOPMed 0.00057.

Submissions (4):

Ambry Genetics
Classification: Uncertain significance for Hereditary pancreatitis. Last evaluated: 2026-03-26. Review status: criteria provided, single submitter. Criteria: Ambry Variant Classification Scheme 2023. Collection method: clinical testing. Allele origin: germline.

Labcorp Genetics (formerly Invitae), Labcorp
Classification: Uncertain significance for Hereditary pancreatitis. Last evaluated: 2025-07-02. Review status: criteria provided, single submitter. Criteria: Invitae Variant Classification Sherloc (09022015). Collection method: clinical testing. Allele origin: germline.
Comment: This sequence change replaces valine, which is neutral and non-polar, with alanine, which is neutral and non-polar, at codon 84 of the CTRC protein (p.Val84Ala). This variant is present in population databases (rs200369419, gnomAD 0.006%). This variant has not been reported in the literature in individuals affected with CTRC-related conditions. ClinVar contains an entry for this variant (Variation ID: 641331). Invitae Evidence Modeling of protein sequence and biophysical properties (such as structural, functional, and spatial information, amino acid conservation, physicochemical variation, residue mobility, and thermodynamic stability) has been performed for this missense variant. However, the output from this modeling did not meet the statistical confidence thresholds required to predict the impact of this variant on CTRC protein function. In summary, the available evidence is currently insufficient to determine the role of this variant in disease. Therefore, it has been classified as a Variant of Uncertain Significance.

Mayo Clinic Laboratories, Mayo Clinic
Classification: Uncertain significance. Last evaluated: 2025-04-28. Review status: criteria provided, single submitter. Criteria: ACMG Guidelines, 2015. Collection method: clinical testing. Allele origin: germline. Observed: 2 variant alleles.
Comment: PP3, PM2_supporting

ARUP Laboratories, Molecular Genetics and Genomics, ARUP Laboratories
Classification: Uncertain significance for Hereditary pancreatitis. Last evaluated: 2020-03-19. Review status: criteria provided, single submitter. Criteria: ARUP Molecular Germline Variant Investigation Process. Collection method: clinical testing. Allele origin: germline.
Comment: The CTRC c.251T>C; p.Val84Ala variant (rs200369419), to our knowledge, is not reported in the medical literature but is reported in ClinVar (Variation ID: 641331). This variant is only observed on three alleles in the Genome Aggregation Database, indicating it is not a common polymorphism. The valine at codon 84 is highly conserved, and computational analyses (SIFT, PolyPhen-2) predict that this variant is deleterious. Due to limited information, the clinical significance of the p.Val84Ala variant is uncertain at this time.